The following is an entry in ClinVar:

NM_018979.4(WNK1):c.3497A>G (p.Asn1166Ser)

Gene: WNK1 (WNK lysine deficient protein kinase 1; plus strand). Cytogenetic location: 12p13.33.
Variant type: single nucleotide variant.
Coding change: c.3497A>G on transcript NM_018979.4 (MANE Select); coding-DNA position 3497, A replaced by G.
Protein change: p.Asn1166Ser; replaces asparagine 1166 with serine.
Molecular consequence: missense variant.
Genome position (GRCh38, 1-based): chr12:883,402, A>G. VCF-style: chr12-883402-A-G. GRCh37 (hg19) VCF-style: chr12-992568-A-G.
Other names: c.4277A>G, p.Asn1426Ser (NM_001184985.2); c.2756A>G, p.Asn919Ser (NM_014823.3); c.4253A>G, p.Asn1418Ser (NM_213655.5); short protein forms N1166S, N1418S, N1426S, N919S.
Identifiers: ClinVar variation 3753836 (VCV003753836.2).

ClinVar aggregate classification (germline): Uncertain significance (1 of 4 stars; one submission).

Conditions:
Neuropathy, hereditary sensory and autonomic, type 2A (HSAN2A). Also called: ACROOSTEOLYSIS, GIACCAI TYPE; ACROOSTEOLYSIS, NEUROGENIC; MORVAN DISEASE; NEUROPATHY, CONGENITAL SENSORY; NEUROPATHY, HEREDITARY SENSORY RADICULAR, AUTOSOMAL RECESSIVE; NEUROPATHY, HEREDITARY SENSORY, TYPE IIA. Identifiers: Orphanet 970, MedGen C2752089, MONDO:0024309, OMIM 201300.
Pseudohypoaldosteronism type 2C (PHA2C). Also called: Pseudohypoaldosteronism Type IIC. Identifiers: Orphanet 757, Orphanet 88940, MedGen C1840391, MONDO:0013778, OMIM 614492.

Submission:

Labcorp Genetics (formerly Invitae), Labcorp
Classification: Uncertain significance for Neuropathy, hereditary sensory and autonomic, type 2A; Pseudohypoaldosteronism type 2C. Last evaluated: 2024-02-16. Review status: criteria provided, single submitter. Criteria: Invitae Variant Classification Sherloc (09022015). Collection method: clinical testing. Allele origin: germline.
Comment: This sequence change replaces asparagine, which is neutral and polar, with serine, which is neutral and polar, at codon 1418 of the WNK1 protein (p.Asn1418Ser). This variant is not present in population databases (gnomAD no frequency). This variant has not been reported in the literature in individuals affected with WNK1-related conditions. Advanced modeling of protein sequence and biophysical properties (such as structural, functional, and spatial information, amino acid conservation, physicochemical variation, residue mobility, and thermodynamic stability) performed at Invitae indicates that this missense variant is not expected to disrupt WNK1 protein function with a negative predictive value of 95%. In summary, the available evidence is currently insufficient to determine the role of this variant in disease. Therefore, it has been classified as a Variant of Uncertain Significance.